The following is an entry in ClinVar:

ClinVar aggregate classification (germline): Pathogenic (1 of 4 stars; one submission).

Conditions:
Neurofibromatosis, type 1 (NF1). Also called: Peripheral type neurofibromatosis; VON RECKLINGHAUSEN DISEASE; NEUROFIBROMATOSIS, TYPE I, SOMATIC; Neurofibromatosis, type I. Identifiers: Orphanet 636, MedGen C0027831, MONDO:0018975, OMIM 162200. Disease mechanism: loss of function.

Submission:

Labcorp Genetics (formerly Invitae), Labcorp
Classification: Pathogenic for Neurofibromatosis, type 1. Last evaluated: 2024-07-16. Review status: criteria provided, single submitter. Criteria: Invitae Variant Classification Sherloc (09022015). Collection method: clinical testing. Allele origin: germline.
Comment: This sequence change creates a premature translational stop signal (p.Tyr489*) in the NF1 gene. It is expected to result in an absent or disrupted protein product. Loss-of-function variants in NF1 are known to be pathogenic (PMID: 10712197, 23913538). This variant is not present in population databases (gnomAD no frequency). This variant has not been reported in the literature in individuals affected with NF1-related conditions. For these reasons, this variant has been classified as Pathogenic.

Literature cited by the submitters: PubMed 10712197; PubMed 23913538.

NM_001042492.3(NF1):c.1467del (p.Ser488_Tyr489insTer)

Gene: NF1 (neurofibromin 1; plus strand). Cytogenetic location: 17q11.2.
Variant type: Deletion.
Coding change: c.1467del on transcript NM_001042492.3 (MANE Select); coding-DNA position 1467, one base deleted (T; older notation c.1467delT).
Protein change: p.Ser488_Tyr489insTer.
Molecular consequence: nonsense. On other transcripts: frameshift variant (1).
Genome position (GRCh38, 1-based): chr17:31,214,525, T deleted. VCF-style (leftmost placement, unchanged base first): chr17-31214524-AT-A. GRCh37 (hg19) VCF-style: chr17-29541542-AT-A.
Other names: c.1467delT, p.Tyr489Terfs (NM_000267.4); c.1467del, p.Ser488_Tyr489insTer (NM_001128147.3).
Identifiers: ClinVar variation 3659594 (VCV003659594.2).